The following is an entry in ClinVar:

NM_001308027.2(MSANTD2):c.1374A>G (p.Ser458=)

Gene: MSANTD2 (Myb/SANT DNA binding domain containing 2; minus strand). Cytogenetic location: 11q24.2.
Variant type: single nucleotide variant.
Coding change: c.1374A>G on transcript NM_001308027.2 (MANE Select); coding-DNA position 1374, A replaced by G.
Protein change: p.Ser458=; no amino-acid change (serine 458 retained).
Molecular consequence: synonymous variant. On other transcripts: 3 prime UTR variant (1).
Genome position (GRCh38, 1-based): chr11:124,767,482, T>C on the plus strand (A>G on the coding strand, the complement: MSANTD2 is on the minus strand). VCF-style: chr11-124767482-T-C. GRCh37 (hg19) VCF-style: chr11-124637378-T-C.
Other names: c.*578A>G (NM_001312919.2); c.684A>G, p.Ser228= (NM_001312920.2, NM_001312921.2, NM_001352400.2 and 1 more transcripts); c.1218A>G, p.Ser406= (NM_024631.4).
Identifiers: ClinVar variation 4823136 (VCV004823136.4).

ClinVar aggregate classification (germline): Likely benign (1 of 4 stars; one submission).

Submission:

CeGaT Center for Human Genetics Tuebingen
Classification: Likely benign. Last evaluated: 2026-01-01. Review status: criteria provided, single submitter. Criteria: CeGaT Center For Human Genetics Tuebingen Variant Classification Criteria Version 2. Collection method: clinical testing. Allele origin: germline. Affected: yes. Observed: 1 variant allele.
Comment: MSANTD2: PM2:Supporting, BP4, BP7